The following is an entry in ClinVar:

NM_001014437.3(CARS1):c.1242G>A (p.Pro414=)

Gene: CARS1 (cysteinyl-tRNA synthetase 1; minus strand). Cytogenetic location: 11p15.4.
Variant type: single nucleotide variant.
Coding change: c.1242G>A on transcript NM_001014437.3 (MANE Select); coding-DNA position 1242, G replaced by A.
Protein change: p.Pro414=; no amino-acid change (proline 414 retained).
Molecular consequence: synonymous variant. On other transcripts: non-coding transcript variant (4).
Genome position (GRCh38, 1-based): chr11:3,020,244, C>T on the plus strand (G>A on the coding strand, the complement: CARS1 is on the minus strand). VCF-style: chr11-3020244-C-T. GRCh37 (hg19) VCF-style: chr11-3041474-C-T.
Other names: c.1242G>A, p.Pro414= (NM_001194997.2); c.1032G>A, p.Pro344= (NM_001378136.1); c.963G>A, p.Pro321= (NM_001378137.1, NM_001378138.1, NM_001378139.1 and 1 more transcripts); c.717G>A, p.Pro239= (NM_001378140.1); c.993G>A, p.Pro331= (NM_001751.6, NM_139273.4).
Identifiers: ClinVar variation 4820850 (VCV004820850.5).

ClinVar aggregate classification (germline): Likely benign. Review status: criteria provided, multiple submitters, no conflicts (2 of 4 stars). 2 submissions from 2 submitters: Likely benign (2). Last evaluated 2026-01-01.

gnomAD v4.1: 428 of 1,610,878 alleles (0.027%); highest among the groups gnomAD compares: Middle Eastern, 0.97%; 2 homozygotes.

Submissions (2):

CeGaT Center for Human Genetics Tuebingen
Classification: Likely benign. Last evaluated: 2026-01-01. Review status: criteria provided, single submitter. Criteria: CeGaT Center For Human Genetics Tuebingen Variant Classification Criteria Version 2. Collection method: clinical testing. Allele origin: germline. Affected: yes. Observed: 1 variant allele.
Comment: CARS1: BP4, BP7

Blueprint Genetics
Classification: Likely benign. Last evaluated: 2024-10-22. Review status: criteria provided, single submitter. Criteria: ACMG Guidelines, 2015. Collection method: clinical testing. Allele origin: germline.